The following is an entry in ClinVar:

NM_000875.5(IGF1R):c.1572C>T (p.Thr524=)

Gene: IGF1R (insulin like growth factor 1 receptor; plus strand). Cytogenetic location: 15q26.3.
Variant type: single nucleotide variant.
Coding change: c.1572C>T on transcript NM_000875.5 (MANE Select); coding-DNA position 1572, C replaced by T.
Protein change: p.Thr524=; no amino-acid change (threonine 524 retained).
Molecular consequence: synonymous variant.
Genome position (GRCh38, 1-based): chr15:98,911,424, C>T. VCF-style: chr15-98911424-C-T. GRCh37 (hg19) VCF-style: chr15-99454653-C-T.
Other names: c.1572C>T, p.Thr524= (NM_001291858.2); c.1572C>T (NM_000875.4).
Identifiers: ClinVar variation 2720952 (VCV002720952.9), dbSNP rs757261009, ClinGen allele CA7752129.

ClinVar aggregate classification (germline): Likely benign. Review status: criteria provided, multiple submitters, no conflicts (2 of 4 stars). 3 submissions from 3 submitters: Likely benign (2). 1 of the submissions does not count toward it. Last evaluated 2026-02-01.

Conditions:
IGF1R-related disorder. Also called: IGF1R-related condition.

Allele frequency attached by ClinVar (database versions not stated): gnomAD 0.00002; gnomAD exomes 0.00004; TOPMed 0.00005; ExAC 0.00006.
gnomAD v4.1: 70 of 1,614,044 alleles (0.0043%); highest among the groups gnomAD compares: Middle Eastern, 0.066%; no homozygotes.

Submissions (3):

CeGaT Center for Human Genetics Tuebingen
Classification: Likely benign. Last evaluated: 2026-02-01. Review status: criteria provided, single submitter. Criteria: CeGaT Center For Human Genetics Tuebingen Variant Classification Criteria Version 2. Collection method: clinical testing. Allele origin: germline. Affected: yes. Observed: 2 variant alleles.
Comment: IGF1R: BP4, BP7

Labcorp Genetics (formerly Invitae), Labcorp
Classification: Likely benign. Last evaluated: 2025-09-28. Review status: criteria provided, single submitter. Criteria: Invitae Variant Classification Sherloc (09022015). Collection method: clinical testing. Allele origin: germline.

PreventionGenetics, part of Exact Sciences
Classification: Likely benign for IGF1R-related condition. Last evaluated: 2021-06-18. Review status: no assertion criteria provided. Collection method: clinical testing. Allele origin: germline. Not counted in ClinVar's aggregate classification.
Comment: This variant is classified as likely benign based on ACMG/AMP sequence variant interpretation guidelines (Richards et al. 2015 PMID: 25741868, with internal and published modifications).